The following is an entry in ClinVar:

ClinVar aggregate classification (germline): Pathogenic (3 of 4 stars; one submission).

Conditions:
Lynch syndrome. Identifiers: Orphanet 144, MedGen C4552100, MONDO:0005835. Disease mechanism: loss of function.

Submission:

International Society for Gastrointestinal Hereditary Tumours (InSiGHT)
Classification: Pathogenic for Lynch Syndrome. Last evaluated: 2013-09-05. Review status: reviewed by expert panel. Criteria: Guidelines v1.9. Collection method: research. Allele origin: germline.
Comment: Large deletion

Classified with v1.9 guidelines

NM_000179.2(MSH6):c.-11863_457+1921del

Genes: MSH6 (mutS homolog 6; plus strand), LOC129933705 (ATAC-STARR-seq lymphoblastoid active region 15741; plus strand), LOC129933708 (ATAC-STARR-seq lymphoblastoid silent region 11469; plus strand), LOC129933706 (ATAC-STARR-seq lymphoblastoid silent region 11467; plus strand), LOC129933707 (ATAC-STARR-seq lymphoblastoid silent region 11468; plus strand). Cytogenetic location: 2p16.3.
Variant type: Deletion.
Coding change: c.-11863_457+1921del on transcript NM_000179.2; 11863 bases upstream of the start codon through 1921 bases into the intron after coding-DNA position 457, this stretch deleted.
Other names: c.-11863_457+1921del (LRG_219t1).
Identifiers: ClinVar variation 89156 (VCV000089156.2).